The following is an entry in ClinVar:

NM_015202.5(KATNIP):c.3149C>T (p.Ala1050Val)

Gene: KATNIP (katanin interacting protein; plus strand). Cytogenetic location: 16p12.1.
Variant type: single nucleotide variant.
Coding change: c.3149C>T on transcript NM_015202.5 (MANE Select); coding-DNA position 3149, C replaced by T.
Protein change: p.Ala1050Val; replaces alanine 1050 with valine.
Molecular consequence: missense variant.
Genome position (GRCh38, 1-based): chr16:27,750,109, C>T. VCF-style: chr16-27750109-C-T. GRCh37 (hg19) VCF-style: chr16-27761430-C-T.
Other names: short protein forms A1050V.
Identifiers: ClinVar variation 3670079 (VCV003670079.2).

ClinVar aggregate classification (germline): Uncertain significance (1 of 4 stars; one submission).

gnomAD v4.1: 5 of 1,614,146 alleles (0.00031%); highest among the groups gnomAD compares: Non-Finnish European, 0.00042%; no homozygotes.

Submission:

Labcorp Genetics (formerly Invitae), Labcorp
Classification: Uncertain significance. Last evaluated: 2024-04-15. Review status: criteria provided, single submitter. Criteria: Invitae Variant Classification Sherloc (09022015). Collection method: clinical testing. Allele origin: germline.
Comment: This sequence change replaces alanine, which is neutral and non-polar, with valine, which is neutral and non-polar, at codon 1050 of the KIAA0556 protein (p.Ala1050Val). This variant is present in population databases (no rsID available, gnomAD 0.0009%). This variant has not been reported in the literature in individuals affected with KIAA0556-related conditions. An algorithm developed to predict the effect of missense changes on protein structure and function (PolyPhen-2) suggests that this variant is likely to be disruptive. In summary, the available evidence is currently insufficient to determine the role of this variant in disease. Therefore, it has been classified as a Variant of Uncertain Significance.